The following is an entry in ClinVar:

ClinVar aggregate classification (germline): Conflicting classifications of pathogenicity. Review status: criteria provided, conflicting classifications (1 of 4 stars). 3 submissions from 3 submitters: Uncertain significance (2); Likely benign (1). Last evaluated 2024-09-16.

Conditions:
Hereditary cancer-predisposing syndrome. Also called: Hereditary neoplastic syndrome; Tumor predisposition; Hereditary Cancer Syndrome; Neoplastic Syndromes, Hereditary. Identifiers: Orphanet 140162, MedGen C0027672, MeSH D009386, MONDO:0015356.
Hereditary breast ovarian cancer syndrome. Also called: BRCA1- and BRCA2-Associated Hereditary Breast and Ovarian Cancer; Hereditary breast and ovarian cancer syndrome (HBOC); Hereditary breast and/or ovarian cancer syndrome; Hereditary breast and ovarian cancer syndrome; Hereditary breast and ovarian cancer; Breast and ovarian cancer. Identifiers: Orphanet 145, MedGen C0677776, MeSH D061325, MONDO:0003582. Disease mechanism: loss of function.

Allele frequency attached by ClinVar (database versions not stated): gnomAD exomes below 0.00001.
gnomAD v4.1: 3 of 1,614,184 alleles (0.00019%); highest among the groups gnomAD compares: Non-Finnish European, 0.00025%; no homozygotes.

Submissions (3):

Ambry Genetics
Classification: Uncertain significance for Hereditary cancer-predisposing syndrome. Last evaluated: 2024-09-16. Review status: criteria provided, single submitter. Criteria: Ambry Variant Classification Scheme 2023. Collection method: clinical testing. Allele origin: germline.
Comment: The p.K947N variant (also known as c.2841A>T), located in coding exon 9 of the BRCA1 gene, results from an A to T substitution at nucleotide position 2841. The lysine at codon 947 is replaced by asparagine, an amino acid with similar properties. This amino acid position is not well conserved in available vertebrate species. In addition, this alteration is predicted to be tolerated by in silico analysis. Since supporting evidence is limited at this time, the clinical significance of this alteration remains unclear.

University of Washington Department of Laboratory Medicine, University of Washington
Classification: Likely benign for Hereditary cancer-predisposing syndrome. Last evaluated: 2023-03-23. Review status: criteria provided, single submitter. Criteria: Dines et al. (Genet Med. 2020). Collection method: curation. Allele origin: germline.
Comment: Missense variant in a coldspot region where missense variants are very unlikely to be pathogenic (PMID:31911673).

BRCA1 coldspot (exon 11 using historical exon numbering). Reclassification based on statistical prior probability

Labcorp Genetics (formerly Invitae), Labcorp
Classification: Uncertain significance for Hereditary breast ovarian cancer syndrome. Last evaluated: 2021-10-14. Review status: criteria provided, single submitter. Criteria: Invitae Variant Classification Sherloc (09022015). Collection method: clinical testing. Allele origin: germline.
Comment: Algorithms developed to predict the effect of missense changes on protein structure and function are either unavailable or do not agree on the potential impact of this missense change (SIFT: "Tolerated"; PolyPhen-2: "Possibly Damaging"; Align-GVGD: "Class C0"). In summary, the available evidence is currently insufficient to determine the role of this variant in disease. Therefore, it has been classified as a Variant of Uncertain Significance. ClinVar contains an entry for this variant (Variation ID: 220648). This variant has not been reported in the literature in individuals affected with BRCA1-related conditions. This variant is not present in population databases (ExAC no frequency). This sequence change replaces lysine with asparagine at codon 947 of the BRCA1 protein (p.Lys947Asn). The lysine residue is moderately conserved and there is a moderate physicochemical difference between lysine and asparagine.

NM_007294.4(BRCA1):c.2841A>T (p.Lys947Asn)

Gene: BRCA1 (BRCA1 DNA repair associated; minus strand). Cytogenetic location: 17q21.31.
Variant type: single nucleotide variant.
Coding change: c.2841A>T on transcript NM_007294.4 (MANE Select); coding-DNA position 2841, A replaced by T.
Protein change: p.Lys947Asn; replaces lysine 947 with asparagine.
Molecular consequence: missense variant. On other transcripts: intron variant (137).
Genome position (GRCh38, 1-based): chr17:43,092,690, T>A on the plus strand (A>T on the coding strand, the complement: BRCA1 is on the minus strand). VCF-style: chr17-43092690-T-A. GRCh37 (hg19) VCF-style: chr17-41244707-T-A.
Other names: c.2628A>T, p.Lys876Asn (NM_001407571.1, NM_001407853.1, NM_001407894.1 and 9 more transcripts); c.2841A>T, p.Lys947Asn (NM_001407581.1, NM_001407582.1, NM_001407583.1 and 30 more transcripts); c.2838A>T, p.Lys946Asn (NM_001407587.1, NM_001407590.1, NM_001407591.1 and 22 more transcripts); c.2832A>T, p.Lys944Asn (NM_001407646.1, NM_001407647.1); c.2718A>T, p.Lys906Asn (NM_001407648.1, NM_001407664.1, NM_001407665.1 and 19 more transcripts); c.2715A>T, p.Lys905Asn (NM_001407649.1, NM_001407670.1, NM_001407671.1 and 11 more transcripts); c.2763A>T, p.Lys921Asn (NM_001407653.1, NM_001407654.1, NM_001407655.1 and 4 more transcripts); c.2760A>T, p.Lys920Asn (NM_001407659.1, NM_001407660.1, NM_001407661.1 and 1 more transcripts); and 41 more; short protein forms K947N, K900N, K876N, K899N, K921N, K651N, K779N, K819N.
Identifiers: ClinVar variation 220648 (VCV000220648.17), dbSNP rs864622618, ClinGen allele CA348171.